The following is an entry in ClinVar:

NM_001673.5(ASNS):c.1609T>G (p.Trp537Gly)

Genes: ASNS (asparagine synthetase (glutamine-hydrolyzing); minus strand), CZ1P-ASNS (CZ1P-ASNS readthrough; minus strand). Cytogenetic location: 7q21.3.
Variant type: single nucleotide variant.
Coding change: c.1609T>G on transcript NM_001673.5 (MANE Select); coding-DNA position 1609, T replaced by G.
Protein change: p.Trp537Gly; replaces tryptophan 537 with glycine.
Molecular consequence: missense variant. On other transcripts: non-coding transcript variant (1).
Genome position (GRCh38, 1-based): chr7:97,852,336, A>C on the plus strand (T>G on the coding strand, the complement: ASNS is on the minus strand). VCF-style: chr7-97852336-A-C. GRCh37 (hg19) VCF-style: chr7-97481648-A-C.
Other names: c.1546T>G, p.Trp516Gly (NM_001178075.2); c.1360T>G, p.Trp454Gly (NM_001178076.2, NM_001178077.1); c.1609T>G, p.Trp537Gly (NM_001352496.2, NM_133436.3, NM_183356.4); short protein forms W454G, W516G, W537G.
Identifiers: ClinVar variation 1308355 (VCV001308355.2), dbSNP rs2115581844, ClinGen allele CA368264102.

ClinVar aggregate classification (germline): Uncertain significance (1 of 4 stars; one submission).

Allele frequency attached by ClinVar (database versions not stated): gnomAD exomes below 0.00001.
gnomAD v4.1: 6 of 1,614,184 alleles (0.00037%); highest among the groups gnomAD compares: Non-Finnish European, 0.00051%; no homozygotes.

Submission:

GeneDx
Classification: Uncertain significance. Last evaluated: 2019-04-05. Review status: criteria provided, single submitter. Criteria: GeneDx Variant Classification Process June 2021. Collection method: clinical testing. Allele origin: germline. Affected: yes.
Comment: Not observed in large population cohorts (Lek et al., 2016); In silico analysis, which includes protein predictors and evolutionary conservation, supports a deleterious effect; Has not been previously published as pathogenic or benign to our knowledge